The following is an entry in ClinVar:

ClinVar aggregate classification (germline): Uncertain significance (1 of 4 stars; one submission).

Allele frequency attached by ClinVar (database versions not stated): gnomAD exomes 0.00001.
gnomAD v4.1: 3 of 1,613,950 alleles (0.00019%); highest among the groups gnomAD compares: Non-Finnish European, 0.00025%; no homozygotes.

Submission:

Labcorp Genetics (formerly Invitae), Labcorp
Classification: Uncertain significance. Last evaluated: 2023-12-16. Review status: criteria provided, single submitter. Criteria: Invitae Variant Classification Sherloc (09022015). Collection method: clinical testing. Allele origin: germline.
Comment: This sequence change replaces alanine, which is neutral and non-polar, with threonine, which is neutral and polar, at codon 3202 of the MYO15A protein (p.Ala3202Thr). This variant is present in population databases (no rsID available, gnomAD 0.002%). This variant has not been reported in the literature in individuals affected with MYO15A-related conditions. Advanced modeling of protein sequence and biophysical properties (such as structural, functional, and spatial information, amino acid conservation, physicochemical variation, residue mobility, and thermodynamic stability) performed at Invitae indicates that this missense variant is expected to disrupt MYO15A protein function with a positive predictive value of 95%. In summary, the available evidence is currently insufficient to determine the role of this variant in disease. Therefore, it has been classified as a Variant of Uncertain Significance.

NM_016239.4(MYO15A):c.9604G>A (p.Ala3202Thr)

Gene: MYO15A (myosin XVA; plus strand). Cytogenetic location: 17p11.2.
Variant type: single nucleotide variant.
Coding change: c.9604G>A on transcript NM_016239.4 (MANE Select); coding-DNA position 9604, G replaced by A.
Protein change: p.Ala3202Thr; replaces alanine 3202 with threonine.
Molecular consequence: missense variant.
Genome position (GRCh38, 1-based): chr17:18,162,671, G>A. VCF-style: chr17-18162671-G-A. GRCh37 (hg19) VCF-style: chr17-18065985-G-A.
Other names: short protein forms A3202T.
Identifiers: ClinVar variation 3012573 (VCV003012573.3), dbSNP rs1160828142, ClinGen allele CA398638447.